The following is an entry in ClinVar:

NM_022455.5(NSD1):c.4498-2A>G

Gene: NSD1 (nuclear receptor binding SET domain protein 1; plus strand). Cytogenetic location: 5q35.3.
Variant type: single nucleotide variant.
Coding change: c.4498-2A>G on transcript NM_022455.5 (MANE Select); the canonical splice acceptor site of the intron before coding-DNA position 4498, A replaced by G.
Molecular consequence: splice acceptor variant.
Genome position (GRCh38, 1-based): chr5:177,248,179, A>G. VCF-style: chr5-177248179-A-G. GRCh37 (hg19) VCF-style: chr5-176675180-A-G.
Other names: c.4498-2A>G (NM_001409302.1, NM_001409303.1, NM_001409301.1); c.3625-2A>G (NM_001409307.1, NM_172349.5, NM_001409309.1 and 3 more transcripts); c.4078-2A>G (NM_001409304.1); c.3745-2A>G (NM_001409305.1).
Identifiers: ClinVar variation 3653861 (VCV003653861.2).

ClinVar aggregate classification (germline): Likely pathogenic (1 of 4 stars; one submission).

Submission:

Labcorp Genetics (formerly Invitae), Labcorp
Classification: Likely pathogenic. Last evaluated: 2024-05-19. Review status: criteria provided, single submitter. Criteria: Invitae Variant Classification Sherloc (09022015). Collection method: clinical testing. Allele origin: germline.
Comment: This sequence change affects an acceptor splice site in intron 10 of the NSD1 gene. It is expected to disrupt RNA splicing. Variants that disrupt the donor or acceptor splice site typically lead to a loss of protein function (PMID: 16199547), and loss-of-function variants in NSD1 are known to be pathogenic (PMID: 12464997, 14571271, 15942875, 16247291). This variant is not present in population databases (gnomAD no frequency). Disruption of this splice site has been observed in individual(s) with clinical features of Sotos syndrome (Invitae). Algorithms developed to predict the effect of sequence changes on RNA splicing suggest that this variant may disrupt the consensus splice site. In summary, the currently available evidence indicates that the variant is pathogenic, but additional data are needed to prove that conclusively. Therefore, this variant has been classified as Likely Pathogenic.

Literature cited by the submitters: PubMed 16199547; PubMed 12464997; PubMed 14571271; PubMed 15942875; PubMed 16247291.